The following is an entry in ClinVar:

NM_007294.4(BRCA1):c.4909C>A (p.Pro1637Thr)

Gene: BRCA1 (BRCA1 DNA repair associated; minus strand). Cytogenetic location: 17q21.31.
Variant type: single nucleotide variant.
Coding change: c.4909C>A on transcript NM_007294.4 (MANE Select); coding-DNA position 4909, C replaced by A.
Protein change: p.Pro1637Thr; replaces proline 1637 with threonine.
Molecular consequence: missense variant. On other transcripts: non-coding transcript variant (1).
Genome position (GRCh38, 1-based): chr17:43,071,005, G>T on the plus strand (C>A on the coding strand, the complement: BRCA1 is on the minus strand). VCF-style: chr17-43071005-G-T. GRCh37 (hg19) VCF-style: chr17-41223022-G-T.
Other names: c.4696C>A, p.Pro1566Thr (NM_001407571.1, NM_001407894.1, NM_001407895.1 and 12 more transcripts); c.4975C>A, p.Pro1659Thr (NM_001407581.1, NM_001407582.1); c.4972C>A, p.Pro1658Thr (NM_001407583.1, NM_001407585.1, NM_001407587.1 and 1 more transcripts); c.4969C>A, p.Pro1657Thr (NM_001407590.1, NM_001407591.1); c.4909C>A, p.Pro1637Thr (NM_001407593.1, NM_001407594.1, NM_001407596.1 and 8 more transcripts); c.4906C>A, p.Pro1636Thr (NM_001407618.1, NM_001407619.1, NM_001407620.1 and 17 more transcripts); c.4903C>A, p.Pro1635Thr (NM_001407637.1, NM_001407638.1, NM_001407639.1 and 14 more transcripts); c.4900C>A, p.Pro1634Thr (NM_001407644.1, NM_001407645.1); and 70 more; short protein forms P1590T, P533T, P1658T, P1637T, P1508T, P1525T, P1565T, P1566T.
Identifiers: ClinVar variation 865674 (VCV000865674.5), dbSNP rs876659989, ClinGen allele CA10591705.

ClinVar aggregate classification (germline): Uncertain significance (1 of 4 stars; one submission).

Conditions:
Hereditary cancer-predisposing syndrome. Also called: Tumor predisposition; Hereditary Cancer Syndrome; Hereditary neoplastic syndrome; Neoplastic Syndromes, Hereditary. Identifiers: Orphanet 140162, MedGen C0027672, MeSH D009386, MONDO:0015356.

Submissions (2):

Ambry Genetics
Classification: Uncertain significance for Hereditary cancer-predisposing syndrome. Last evaluated: 2020-03-09. Review status: criteria provided, single submitter. Criteria: Ambry Variant Classification Scheme 2023. Collection method: clinical testing. Allele origin: germline.
Comment: The p.P1637T variant (also known as c.4909C>A), located in coding exon 14 of the BRCA1 gene, results from a C to A substitution at nucleotide position 4909. The proline at codon 1637 is replaced by threonine, an amino acid with highly similar properties. One functional study found that this nucleotide substitution to have intermediate function in a high throughput genome editing haploid cell survival assay (Findlay GM et al. Nature, 2018 10;562:217-222). This amino acid position is highly conserved in available vertebrate species. In addition, the in silico prediction for this alteration is inconclusive. Since supporting evidence is limited at this time, the clinical significance of this alteration remains unclear.Since supporting evidence is limited at this time, the clinical significance of this alteration remains unclear.

Brotman Baty Institute, University of Washington
No classification provided (evidence only). Condition: Breast-ovarian cancer, familial 1. Review status: no classification provided. Collection method: in vitro. Allele origin: not applicable. Functional consequence: functionally_normal. Not counted in ClinVar's aggregate classification.
ClinVar note: "not provided" was previously submitted as the classification for the variant. However, the classification appeared to be based only on an observation of functional data so it was converted to no classification on 2025-07-30.

Literature cited by the submitters: PubMed 30209399 (cited by Ambry Genetics).